The following is an entry in ClinVar:

ClinVar aggregate classification (germline): Uncertain significance. Review status: criteria provided, multiple submitters, no conflicts (2 of 4 stars). 2 submissions from 2 submitters: Uncertain significance (2). Last evaluated 2025-05-30.

Conditions:
Inborn genetic diseases. Identifiers: MedGen C0950123, MeSH D030342.
Lafora disease. Also called: Epilepsy progressive myoclonic 2. Identifiers: Orphanet 501, MedGen C0751783, MONDO:0009697.

Allele frequency attached by ClinVar (database versions not stated): gnomAD exomes 0.00002 and 0.00001; ExAC 0.00002; TOPMed 0.00003; gnomAD 0.00002.

Submissions (2):

Ambry Genetics
Classification: Uncertain significance for Inborn genetic diseases. Last evaluated: 2025-05-30. Review status: criteria provided, single submitter. Criteria: Ambry Variant Classification Scheme 2023. Collection method: clinical testing. Allele origin: germline.

Labcorp Genetics (formerly Invitae), Labcorp
Classification: Uncertain significance for Lafora disease. Last evaluated: 2022-10-17. Review status: criteria provided, single submitter. Criteria: Invitae Variant Classification Sherloc (09022015). Collection method: clinical testing. Allele origin: germline.
Comment: This sequence change replaces valine, which is neutral and non-polar, with isoleucine, which is neutral and non-polar, at codon 392 of the NHLRC1 protein (p.Val392Ile). This variant is present in population databases (rs765576968, gnomAD 0.004%). This variant has not been reported in the literature in individuals affected with NHLRC1-related conditions. ClinVar contains an entry for this variant (Variation ID: 1450717). Advanced modeling of protein sequence and biophysical properties (such as structural, functional, and spatial information, amino acid conservation, physicochemical variation, residue mobility, and thermodynamic stability) performed at Invitae indicates that this missense variant is not expected to disrupt NHLRC1 protein function. In summary, the available evidence is currently insufficient to determine the role of this variant in disease. Therefore, it has been classified as a Variant of Uncertain Significance.

NM_198586.3(NHLRC1):c.1174G>A (p.Val392Ile)

Gene: NHLRC1 (NHL repeat containing E3 ubiquitin protein ligase 1; minus strand). Cytogenetic location: 6p22.3.
Variant type: single nucleotide variant.
Coding change: c.1174G>A on transcript NM_198586.3 (MANE Select); coding-DNA position 1174, G replaced by A.
Protein change: p.Val392Ile; replaces valine 392 with isoleucine.
Molecular consequence: missense variant.
Genome position (GRCh38, 1-based): chr6:18,121,433, C>T on the plus strand (G>A on the coding strand, the complement: NHLRC1 is on the minus strand). VCF-style: chr6-18121433-C-T. GRCh37 (hg19) VCF-style: chr6-18121664-C-T.
Other names: short protein forms V392I.
Identifiers: ClinVar variation 1450717 (VCV001450717.6), dbSNP rs765576968, ClinGen allele CA3649865.